The following is an entry in ClinVar:

NM_000053.4(ATP7B):c.1924G>T (p.Asp642Tyr)

Gene: ATP7B (ATPase copper transporting beta; minus strand). Cytogenetic location: 13q14.3.
Variant type: single nucleotide variant.
Coding change: c.1924G>T on transcript NM_000053.4 (MANE Select); coding-DNA position 1924, G replaced by T.
Protein change: p.Asp642Tyr; replaces aspartic acid 642 with tyrosine.
Molecular consequence: missense variant. On other transcripts: intron variant (2).
Genome position (GRCh38, 1-based): chr13:51,961,859, C>A on the plus strand (G>T on the coding strand, the complement: ATP7B is on the minus strand). VCF-style: chr13-51961859-C-A. GRCh37 (hg19) VCF-style: chr13-52535995-C-A.
Other names: c.1591G>T, p.Asp531Tyr (NM_001243182.2); c.1924G>T, p.Asp642Tyr (NM_001330578.2); c.1869+3013G>T (NM_001005918.3, NM_001330579.2); short protein forms D642Y, D531Y.
Identifiers: ClinVar variation 526655 (VCV000526655.18), dbSNP rs72552285, ClinGen allele CA388027513.
Genomic context (GRCh38, chr13:51,961,859, plus strand): 5'-AGATGAGAGCTGGAGTTTATCTTTTGTGTTCTACCTACTGCTTTATTTCCATCTTGTGGT[C>A]CAAGTGATGAGCGTTGGGGTTTCTCTGGGCCAGGGAAGCATGAAAGCCAATTTCCTTGTC-3'
Protein context (NP_000044.2, residues 632-652): AQRNPNAHHL[Asp642Tyr]HKMEIKQWKK

ClinVar aggregate classification (germline): Pathogenic/Likely pathogenic. Review status: criteria provided, multiple submitters, no conflicts (2 of 4 stars). 9 submissions from 9 submitters: Pathogenic (4); Likely pathogenic (5). Last evaluated 2026-01-26.

Conditions:
ATP7B-related disorder. Also called: ATP7B-related condition.
Wilson disease (WND). Also called: Wilson's disease. Identifiers: Orphanet 905, MedGen C0019202, MONDO:0010200, OMIM 277900. Disease mechanism: loss of function.

gnomAD v4.1: 6 of 1,613,994 alleles (0.00037%); highest among the groups gnomAD compares: South Asian, 0.0066%; no homozygotes.

Submissions (9):

Natera, Inc.
Classification: Pathogenic for Wilson disease. Last evaluated: 2026-01-26. Review status: criteria provided, single submitter. Criteria: Natera Variant Classification Schema (03/2026). Collection method: clinical testing. Allele origin: germline.
Comment: The c.1924G>T variant in ATP7B is a missense variant predicted to cause substitution of aspartic acid to tyrosine at amino acid 642. This variant is rare in the general population with a frequency below the threshold expected for the associated phenotype(s). This variant has been observed in one or more individuals affected with the associated recessive disease, as either homozygous or compound heterozygous with a second variant (PMID: 39267050, 39933775, 30120852). Additionally, this variant has been observed to segregate in affected family members (PMID: 30120852). A different variant at the same position has been determined to be Pathogenic or Likely Pathogenic. Computational prediction algorithms indicate this variant is likely to affect gene or protein function. Given the available evidence, this variant is classified as Pathogenic.

Women's Health and Genetics/Laboratory Corporation of America, LabCorp
Classification: Pathogenic for Wilson disease. Last evaluated: 2024-09-25. Review status: criteria provided, single submitter. Criteria: LabCorp Variant Classification Summary - May 2015. Collection method: clinical testing. Allele origin: germline.
Comment: Variant summary: ATP7B c.1924G>T (p.Asp642Tyr) results in a non-conservative amino acid change in the encoded protein sequence. Five of five in-silico tools predict a damaging effect of the variant on protein function. The variant allele was found at a frequency of 8e-06 in 249582 control chromosomes. c.1924G>T has been reported in the literature in at least three homozygous siblings affected with Wilson Disease (e.g., Kumari_2018). These data indicate that the variant is very likely to be associated with disease. At least one publication reports experimental evidence evaluating an impact on protein function, indicating this variant reduces cell viability and affects the copper transport capability of ATP7B (Kumari_2018). The following publication have been ascertained in the context of this evaluation (PMID: 30120852). ClinVar contains an entry for this variant (Variation ID: 526655). Based on the evidence outlined above, the variant was classified as pathogenic.

All of Us Research Program, National Institutes of Health
Classification: Likely pathogenic for Wilson disease. Last evaluated: 2024-03-04. Review status: criteria provided, single submitter. Criteria: ACMG Guidelines, 2015. Collection method: clinical testing. Allele origin: germline. Inheritance: Autosomal recessive inheritance. Observed: 1 variant allele, 1 heterozygote.
Comment: Functional studies suggest that this variant results in a deleterious effect on the protein (PMID: 30120852). This variant is present in 2/249582 total alleles in the Genome Aggregation Database. This variant was detected in multiple individuals affected with Wilson disease as homozygous or as compound heterozygous (in trans) with a likely pathogenic or pathogenic variant, which is consistent with autosomal recessive inheritance (PMID: 30120852, 29540233, 36112267). A different missense substitution at this amino acid residue has been previously reported in individuals with disease and classified as pathogenic which supports the functional importance of this position. (PMID: 8203200, 21610751, 21682854, 24706876) .This variant has been reported to co-segregate with disease in one family (PMID: 29540233). This variant is predicted to be deleterious by in silico analysis.

This study involves interpretation of variants in research participants for the purpose of population health screening. Participant phenotype was not available at the time of variant classification. Additional details can be found in publication PMID: 35346344, PMCID: PMC8962531

Labcorp Genetics (formerly Invitae), Labcorp
Classification: Pathogenic for Wilson disease. Last evaluated: 2024-02-05. Review status: criteria provided, single submitter. Criteria: Invitae Variant Classification Sherloc (09022015). Collection method: clinical testing. Allele origin: germline.
Comment: This sequence change replaces aspartic acid, which is acidic and polar, with tyrosine, which is neutral and polar, at codon 642 of the ATP7B protein (p.Asp642Tyr). This variant is present in population databases (no rsID available, gnomAD 0.006%). This missense change has been observed in individual(s) with Wilson's disease (Invitae). In at least one individual the data is consistent with being in trans (on the opposite chromosome) from a pathogenic variant. ClinVar contains an entry for this variant (Variation ID: 526655). Advanced modeling of protein sequence and biophysical properties (such as structural, functional, and spatial information, amino acid conservation, physicochemical variation, residue mobility, and thermodynamic stability) performed at Invitae indicates that this missense variant is expected to disrupt ATP7B protein function with a positive predictive value of 80%. Algorithms developed to predict the effect of sequence changes on RNA splicing suggest that this variant may disrupt the consensus splice site. This variant disrupts the p.Asp642 amino acid residue in ATP7B. Other variant(s) that disrupt this residue have been determined to be pathogenic (PMID: 8203200, 21610751, 21682854, 24706876). This suggests that this residue is clinically significant, and that variants that disrupt this residue are likely to be disease-causing. For these reasons, this variant has been classified as Pathogenic.

Baylor Genetics
Classification: Likely pathogenic for Wilson disease. Last evaluated: 2023-11-18. Review status: criteria provided, single submitter. Criteria: ACMG Guidelines, 2015. Collection method: clinical testing. Allele origin: unknown.

Blueprint Genetics
Classification: Likely pathogenic for ATP7B-related disorders. Last evaluated: 2021-08-27. Review status: criteria provided, single submitter. Criteria: ACMG Guidelines, 2015. Collection method: clinical testing. Allele origin: germline. Affected: yes. Observed: 1 variant allele.

Genome-Nilou Lab
Classification: Likely pathogenic for Wilson disease. Last evaluated: 2021-08-10. Review status: criteria provided, single submitter. Criteria: ACMG Guidelines, 2015. Collection method: clinical testing. Allele origin: germline. Affected: no.

Fulgent Genetics
Classification: Likely pathogenic for Wilson disease. Last evaluated: 2018-10-31. Review status: criteria provided, single submitter. Criteria: ACMG Guidelines, 2015. Collection method: clinical testing. Allele origin: unknown.

Neuberg Centre For Genomic Medicine, NCGM
Classification: Pathogenic for Wilson disease. Review status: criteria provided, single submitter. Criteria: ACMG Guidelines, 2015. Collection method: clinical testing. Allele origin: germline. Inheritance: Autosomal recessive inheritance. Affected: yes.
Comment: The variant c.1924G>T (p.Asp642Tyr) in ATP7B gene has been reported in homozygous or compound heterozygous state in individuals affected with wilson disease (Kitamura K et al). This finding is consistent with autosomal recessive inheritance, and suggests that this variant contributes to disease. A different missense substitution at this codon (p.Asp642His) has been determined to be pathogenic (Kitamura K et al). This suggests that the aspartic acid residue is critical for ATP7B protein function and that other missense substitutions at this position may also be pathogenic. The p.Asp642Tyr variant is reported with the allele frequency of 0.0008013% in gnomAD and is novel (not in any individuals) in 1000 Genomes. This variant has been reported to the ClinVar database as Pathogenic/ Likely Pathogenic. The amino acid Asp at position 642 is changed to a Tyr changing protein sequence and it might alter its composition and physico-chemical properties. The variant is predicted to be damaging by both SIFT and PolyPhen2. The residue is conserved across species. The amino acid change p.Asp642Tyr in ATP7B is predicted as conserved by GERP++ and PhyloP across 100 vertebrates. For these reasons, this variant has been classified as pathogenic.

Literature cited by the submitters: PubMed 39267050 (cited by Natera, Inc.); PubMed 39933775 (cited by Natera, Inc.); PubMed 30120852 (cited by 3 submitters); PubMed 8203200 (cited by All of Us Research Program, National Institutes of Health and Labcorp Genetics (formerly Invitae), Labcorp); PubMed 21610751 (cited by All of Us Research Program, National Institutes of Health and Labcorp Genetics (formerly Invitae), Labcorp); PubMed 21682854 (cited by All of Us Research Program, National Institutes of Health and Labcorp Genetics (formerly Invitae), Labcorp); PubMed 24706876 (cited by All of Us Research Program, National Institutes of Health and Labcorp Genetics (formerly Invitae), Labcorp); PubMed 29540233 (cited by All of Us Research Program, National Institutes of Health); PubMed 36112267 (cited by All of Us Research Program, National Institutes of Health).